The following is an entry in ClinVar:

ClinVar aggregate classification (germline): Uncertain significance (1 of 4 stars; one submission).

Conditions:
Hypotrichosis 8 (HYPT8). Also called: HYPOTRICHOSIS, LOCALIZED, AUTOSOMAL RECESSIVE 3. Identifiers: Orphanet 55654, MedGen C3279470, MONDO:0010206, OMIM 278150.

Allele frequency attached by ClinVar (database versions not stated): gnomAD exomes below 0.00001.
gnomAD v4.1: 1 of 1,613,190 alleles (0.000062%); highest among the groups gnomAD compares: South Asian, 0.0011%; no homozygotes.

Submission:

SIB Swiss Institute of Bioinformatics
Classification: Uncertain significance for Hypotrichosis 8. Review status: criteria provided, single submitter. Criteria: ACMG Guidelines, 2015. Collection method: curation. Allele origin: unknown.
Comment: This variant is interpreted as a variant of uncertain significance for Hypotrichosis 8, autosomal recessive. The following ACMG Tag(s) were applied: Absent from controls (or at extremely low frequency if recessive) in Exome Sequencing Project, 1000 Genomes Project, or Exome Aggregation Consortium (PM2); Cosegregation with disease in multiple affected family members in a gene definitively known to cause the disease (PP1); Well-established in vitro or in vivo functional studies show no damaging effect on protein function or splicing (BS3 downgraded to supporting).

Literature cited by the submitters: PubMed 18461368; PubMed 36173926.

NM_001162498.3(LPAR6):c.8G>C (p.Ser3Thr)

Genes: LPAR6 (lysophosphatidic acid receptor 6; minus strand), RB1 (RB transcriptional corepressor 1; plus strand). Cytogenetic location: 13q14.2.
Variant type: single nucleotide variant.
Coding change: c.8G>C on transcript NM_001162498.3 (MANE Select); coding-DNA position 8, G replaced by C.
Protein change: p.Ser3Thr; replaces serine 3 with threonine.
Molecular consequence: missense variant. On other transcripts: intron variant (2).
Genome position (GRCh38, 1-based): chr13:48,412,416, C>G on the plus strand (G>C on the coding strand, the complement: LPAR6 is on the minus strand). VCF-style: chr13-48412416-C-G. GRCh37 (hg19) VCF-style: chr13-48986552-C-G.
Other names: c.8G>C, p.Ser3Thr (NM_001162497.3, NM_001377316.2, NM_001377317.2 and 1 more transcripts); c.1695+30973C>G (NM_001407165.1, NM_000321.3); short protein forms S3T.
Identifiers: ClinVar variation 2505339 (VCV002505339.1), dbSNP rs1314370530, ClinGen allele CA388160766.
Genomic context (GRCh38, chr13:48,412,416, plus strand): 5'-ATGCACCCATACAAAGTGTACTTAAAGGAGTCATTATAGAAGCAGTGGGAGCTGTTAACG[C>G]TTACCATCGTAAAGGCACGTCCAATTTTCAGTTTGGAAGCACTTTCATCAGCTGCAGTCT-3'
Protein context (NP_001155970.1, residues 1-13): MV[Ser3Thr]VNSSHCFYND